The following is an entry in ClinVar:

NM_001159699.2(FHL1):c.736+14T>C

Gene: FHL1 (four and a half LIM domains 1; plus strand). Cytogenetic location: Xq26.3.
Variant type: single nucleotide variant.
Coding change: c.736+14T>C on transcript NM_001159699.2 (MANE Select); 14 bases into the intron after coding-DNA position 736, T replaced by C.
Molecular consequence: intron variant.
Genome position (GRCh38, 1-based): chrX:136,208,655, T>C. VCF-style: chrX-136208655-T-C. GRCh37 (hg19) VCF-style: chrX-135290814-T-C.
Other names: c.688+14T>C (NM_001159702.3, NM_001449.5, NM_001369326.1 and 8 more transcripts); c.501+694T>C (NM_001159703.2); c.775+14T>C (NM_001159701.2); c.549+694T>C (NM_001330659.2).
Identifiers: ClinVar variation 508872 (VCV000508872.1), dbSNP rs1556639409, ClinGen allele CA658799875.

ClinVar aggregate classification (germline): Likely benign (1 of 4 stars; one submission).

Submission:

GeneDx
Classification: Likely benign. Last evaluated: 2017-04-14. Review status: criteria provided, single submitter. Criteria: GeneDx Variant Classification (06012015). Collection method: clinical testing. Allele origin: germline. Affected: yes.
Comment: This variant is considered likely benign or benign based on one or more of the following criteria: it is a conservative change, it occurs at a poorly conserved position in the protein, it is predicted to be benign by multiple in silico algorithms, and/or has population frequency not consistent with disease.